The following is an entry in ClinVar:

ClinVar aggregate classification (germline): Uncertain significance (1 of 4 stars; one submission).

Allele frequency attached by ClinVar (database versions not stated): gnomAD exomes below 0.00001; ExAC 0.00001; gnomAD 0.00003; TOPMed 0.00005.
gnomAD v4.1: 7 of 1,613,958 alleles (0.00043%); highest among the groups gnomAD compares: African/African-American, 0.008%; no homozygotes.

Submission:

Labcorp Genetics (formerly Invitae), Labcorp
Classification: Uncertain significance. Last evaluated: 2024-02-24. Review status: criteria provided, single submitter. Criteria: Invitae Variant Classification Sherloc (09022015). Collection method: clinical testing. Allele origin: germline.
Comment: This sequence change replaces asparagine, which is neutral and polar, with aspartic acid, which is acidic and polar, at codon 28 of the SPART protein (p.Asn28Asp). This variant is present in population databases (rs761179509, gnomAD 0.008%). This variant has not been reported in the literature in individuals affected with SPART-related conditions. ClinVar contains an entry for this variant (Variation ID: 2178900). Advanced modeling of protein sequence and biophysical properties (such as structural, functional, and spatial information, amino acid conservation, physicochemical variation, residue mobility, and thermodynamic stability) performed at Invitae indicates that this missense variant is not expected to disrupt SPART protein function with a negative predictive value of 80%. In summary, the available evidence is currently insufficient to determine the role of this variant in disease. Therefore, it has been classified as a Variant of Uncertain Significance.

NM_015087.5(SPART):c.82A>G (p.Asn28Asp)

Gene: SPART (spartin; minus strand). Cytogenetic location: 13q13.3.
Variant type: single nucleotide variant.
Coding change: c.82A>G on transcript NM_015087.5 (MANE Select); coding-DNA position 82, A replaced by G.
Protein change: p.Asn28Asp; replaces asparagine 28 with aspartic acid.
Molecular consequence: missense variant.
Genome position (GRCh38, 1-based): chr13:36,335,749, T>C on the plus strand (A>G on the coding strand, the complement: SPART is on the minus strand). VCF-style: chr13-36335749-T-C. GRCh37 (hg19) VCF-style: chr13-36909886-T-C.
Other names: c.82A>G, p.Asn28Asp (NM_001142294.2, NM_001142295.2, NM_001142296.2); short protein forms N28D.
Identifiers: ClinVar variation 2178900 (VCV002178900.4), dbSNP rs761179509, ClinGen allele CA6949692.